The following is an entry in ClinVar:

ClinVar aggregate classification (germline): Uncertain significance (1 of 4 stars; one submission).

Submission:

Ambry Genetics
Classification: Uncertain significance. Last evaluated: 2025-11-04. Review status: criteria provided, single submitter. Criteria: Ambry Variant Classification Scheme 2023. Collection method: clinical testing. Allele origin: germline.
Comment: The p.R920G variant (also known as c.2758C>G), located in coding exon 24 of the KIF1B gene, results from a C to G substitution at nucleotide position 2758. The arginine at codon 920 is replaced by glycine, an amino acid with dissimilar properties. This amino acid position is conserved. In addition, this alteration is predicted to be deleterious by in silico analysis. Based on the available evidence, the clinical significance of this variant remains unclear.

NM_001365951.3(KIF1B):c.2896C>G (p.Arg966Gly)

Genes: KIF1B (kinesin family member 1B; plus strand), LOC126805614 (BRD4-independent group 4 enhancer GRCh37_chr1:10385546-10386745; plus strand). Cytogenetic location: 1p36.22.
Variant type: single nucleotide variant.
Coding change: c.2896C>G on transcript NM_001365951.3 (MANE Select); coding-DNA position 2896, C replaced by G.
Protein change: p.Arg966Gly; replaces arginine 966 with glycine.
Molecular consequence: missense variant.
Genome position (GRCh38, 1-based): chr1:10,326,331, C>G. VCF-style: chr1-10326331-C-G. GRCh37 (hg19) VCF-style: chr1-10386389-C-G.
Other names: c.2896C>G, p.Arg966Gly (NM_001365952.1); c.2758C>G, p.Arg920Gly (NM_015074.3); short protein forms R920G, R966G.
Identifiers: ClinVar variation 4543666 (VCV004543666.1).